The following is an entry in ClinVar:

ClinVar aggregate classification (germline): Conflicting classifications of pathogenicity. Review status: criteria provided, conflicting classifications (1 of 4 stars). 7 submissions from 6 submitters: Uncertain significance (1); Likely benign (5). 1 of the submissions does not count toward it. Last evaluated 2026-04-01.

Conditions:
Inborn genetic diseases. Identifiers: MedGen C0950123, MeSH D030342.
MFN2-related disorder. Also called: MFN2-related condition; MFN2-related disorders.
Charcot-Marie-Tooth disease type 2. Also called: Charcot-Marie-Tooth type 2. Identifiers: Orphanet 64746, MedGen C0270914, MONDO:0018993.
Hereditary motor and sensory neuropathy with optic atrophy. Also called: CHARCOT-MARIE-TOOTH DISEASE, TYPE 6; PERIPHERAL NEUROPATHY AND OPTIC ATROPHY. Identifiers: Orphanet 90120, MedGen C0393807, MONDO:0019551.

Allele frequency attached by ClinVar (database versions not stated): ExAC 0.00002; gnomAD 0.00003; gnomAD exomes 0.00004 and 0.00005; TOPMed 0.00005; 1000 Genomes Project 0.00020; 1000 Genomes Project 30x 0.00031.

Submissions (7):

CeGaT Center for Human Genetics Tuebingen
Classification: Likely benign. Last evaluated: 2026-04-01. Review status: criteria provided, single submitter. Criteria: CeGaT Center For Human Genetics Tuebingen Variant Classification Criteria Version 2. Collection method: clinical testing. Allele origin: germline. Affected: yes. Observed: 1 variant allele.
Comment: MFN2: BP4, BP7

Labcorp Genetics (formerly Invitae), Labcorp
Classification: Likely benign for Charcot-Marie-Tooth disease type 2. Last evaluated: 2026-01-14. Review status: criteria provided, single submitter. Criteria: Invitae Variant Classification Sherloc (09022015). Collection method: clinical testing. Allele origin: germline.

Blueprint Genetics
Classification: Likely benign. Last evaluated: 2024-04-22. Review status: criteria provided, single submitter. Criteria: ACMG Guidelines, 2015. Collection method: clinical testing. Allele origin: germline.

Ambry Genetics
Classification: Likely benign for Inborn genetic diseases. Last evaluated: 2019-07-11. Review status: criteria provided, single submitter. Criteria: Ambry Variant Classification Scheme 2023. Collection method: clinical testing. Allele origin: germline.

Illumina Laboratory Services, Illumina
Classification: Likely benign for Neuropathy, hereditary motor and sensory, type 6A. Last evaluated: 2018-01-13. Review status: criteria provided, single submitter. Criteria: ICSL Variant Classification Criteria 13 December 2019. Collection method: clinical testing. Allele origin: germline.
Comment: This variant was observed in the ICSL laboratory as part of a predisposition screen in an ostensibly healthy population. It had not been previously curated by ICSL or reported in the Human Gene Mutation Database (HGMD: prior to June 1st, 2018), and was therefore a candidate for classification through an automated scoring system. Utilizing variant allele frequency, disease prevalence and penetrance estimates, and inheritance mode, an automated score was calculated to assess if this variant is too frequent to cause the disease. Based on the score and internal cut-off values, a variant classified as likely benign is not then subjected to further curation. The score for this variant resulted in a classification of likely benign for this disease.

Illumina Laboratory Services, Illumina
Classification: Uncertain significance for Charcot-Marie-Tooth disease, type 2. Last evaluated: 2018-01-13. Review status: criteria provided, single submitter. Criteria: ICSL Variant Classification Criteria 13 December 2019. Collection method: clinical testing. Allele origin: germline.

PreventionGenetics, part of Exact Sciences
Classification: Likely benign for MFN2-related condition. Last evaluated: 2021-03-31. Review status: no assertion criteria provided. Collection method: clinical testing. Allele origin: germline. Not counted in ClinVar's aggregate classification.
Comment: This variant is classified as likely benign based on ACMG/AMP sequence variant interpretation guidelines (Richards et al. 2015 PMID: 25741868, with internal and published modifications).

NM_014874.4(MFN2):c.2145C>T (p.Ala715=)

Gene: MFN2 (mitofusin 2; plus strand). Cytogenetic location: 1p36.22.
Variant type: single nucleotide variant.
Coding change: c.2145C>T on transcript NM_014874.4 (MANE Select); coding-DNA position 2145, C replaced by T.
Protein change: p.Ala715=; no amino-acid change (alanine 715 retained).
Molecular consequence: synonymous variant.
Genome position (GRCh38, 1-based): chr1:12,009,667, C>T. VCF-style: chr1-12009667-C-T. GRCh37 (hg19) VCF-style: chr1-12069724-C-T.
Other names: c.2145C>T, p.Ala715= (NM_001127660.2).
Identifiers: ClinVar variation 292378 (VCV000292378.21), dbSNP rs571011689, ClinGen allele CA599342.